The following is an entry in ClinVar:

ClinVar aggregate classification (germline): Uncertain significance. Review status: criteria provided, multiple submitters, no conflicts (2 of 4 stars). 2 submissions from 2 submitters: Uncertain significance (2). Last evaluated 2024-09-16.

Allele frequency attached by ClinVar (database versions not stated): gnomAD exomes below 0.00001; gnomAD 0.00001; TOPMed 0.00001.
gnomAD v4.1: 5 of 1,613,938 alleles (0.00031%); highest among the groups gnomAD compares: Non-Finnish European, 0.00042%; no homozygotes.

Submissions (2):

Blueprint Genetics
Classification: Uncertain significance. Last evaluated: 2024-09-16. Review status: criteria provided, single submitter. Criteria: ACMG Guidelines, 2015. Collection method: clinical testing. Allele origin: germline.

Labcorp Genetics (formerly Invitae), Labcorp
Classification: Uncertain significance. Last evaluated: 2023-11-10. Review status: criteria provided, single submitter. Criteria: Invitae Variant Classification Sherloc (09022015). Collection method: clinical testing. Allele origin: germline.
Comment: This sequence change replaces serine, which is neutral and polar, with proline, which is neutral and non-polar, at codon 583 of the VCAN protein (p.Ser583Pro). This variant is present in population databases (no rsID available, gnomAD 0.0009%). This variant has not been reported in the literature in individuals affected with VCAN-related conditions. ClinVar contains an entry for this variant (Variation ID: 847805). An algorithm developed to predict the effect of missense changes on protein structure and function (PolyPhen-2) suggests that this variant is likely to be disruptive. In summary, the available evidence is currently insufficient to determine the role of this variant in disease. Therefore, it has been classified as a Variant of Uncertain Significance.

NM_004385.5(VCAN):c.1747T>C (p.Ser583Pro)

Gene: VCAN (versican; plus strand). Cytogenetic location: 5q14.3.
Variant type: single nucleotide variant.
Coding change: c.1747T>C on transcript NM_004385.5 (MANE Select); coding-DNA position 1747, T replaced by C.
Protein change: p.Ser583Pro; replaces serine 583 with proline.
Molecular consequence: missense variant. On other transcripts: intron variant (2).
Genome position (GRCh38, 1-based): chr5:83,520,053, T>C. VCF-style: chr5-83520053-T-C. GRCh37 (hg19) VCF-style: chr5-82815872-T-C.
Other names: c.1747T>C, p.Ser583Pro (NM_001164098.2); c.1042+7657T>C (NM_001164097.2, NM_001126336.3); short protein forms S583P.
Identifiers: ClinVar variation 847805 (VCV000847805.10), dbSNP rs1202332324, ClinGen allele CA360301777.